The following is an entry in ClinVar:

ClinVar aggregate classification (germline): Pathogenic. Review status: reviewed by expert panel (3 of 4 stars). 9 submissions from 9 submitters: Pathogenic (1). 8 of the submissions do not count toward it. Last evaluated 2024-11-26.

Conditions:
Inherited breast cancer and ovarian cancer.
ATM-related cancer predisposition. Also called: ATM-related cancer susceptibility. Identifiers: MedGen CN377759, MONDO:0700270.
Familial cancer of breast. Also called: Hereditary breast cancer; BREAST CANCER, FAMILIAL; hereditary breast carcinoma. Identifiers: Orphanet 227535, MedGen C0346153, MONDO:0016419, OMIM 114480. Disease mechanism: loss of function.
Hereditary cancer-predisposing syndrome. Also called: Hereditary neoplastic syndrome; Neoplastic Syndromes, Hereditary; Hereditary Cancer Syndrome; Tumor predisposition. Identifiers: Orphanet 140162, MedGen C0027672, MeSH D009386, MONDO:0015356.
Ataxia-telangiectasia syndrome (AT). Also called: Ataxia telangiectasia (A-T); Cerebello-oculocutaneous telangiectasia; Immunodeficiency with ataxia telangiectasia; Ataxia-telangiectasia; Ataxia-telangiectasia, complementation group D; AT, COMPLEMENTATION GROUP C. Identifiers: Orphanet 100, MedGen C0004135, MONDO:0008840, OMIM 208900.

Allele frequency attached by ClinVar (database versions not stated): gnomAD 0.00001; gnomAD exomes below 0.00001.
gnomAD v4.1: 4 of 1,613,914 alleles (0.00025%); highest among the groups gnomAD compares: Non-Finnish European, 0.00034%; no homozygotes.

Submissions (9):

ClinGen Hereditary Breast, Ovarian and Pancreatic Cancer Variant Curation Expert Panel, ClinGen
Classification: Pathogenic for ATM-related cancer predisposition. Last evaluated: 2024-11-26. Review status: reviewed by expert panel. Criteria: ClinGen HBOP ACMG Specifications ATM V1.3.0. Collection method: curation. Allele origin: germline. Inheritance: Autosomal dominant inheritance.
Comment: The c.1396C>T (p.Gln466*) variant in ATM is a nonsense variant in a biologically-relevant-exon predicted to cause a premature stop codon leading to nonsense mediated decay in a gene in which loss-of-function is an established disease mechanism. This alteration results in a termination codon upstream of the most C-terminus pathogenic alteration (ATM p.Arg3047*), as classified by the HBOP VCEP, and is expected to be more deleterious. This variant was observed in at least 1 individual with Ataxia-Telangiectasia (PMID: 26896183). This variant is absent from gnomAD v2.1.1. In summary, this variant meets criteria to be classified as pathogenic for autosomal dominant ATM-related cancer predisposition and autosomal recessive Ataxia-Telangiectasia based on the ACMG/AMP criteria applied as specified by the HBOP Variant Curation Expert Panel. (PVS1, PM5_Supporting, PM3_Supporting, PM2_Supporting)

Color Diagnostics, LLC DBA Color Health
Classification: Pathogenic for Hereditary cancer-predisposing syndrome. Last evaluated: 2025-07-18. Review status: criteria provided, single submitter. Criteria: ACMG Guidelines, 2015. Collection method: clinical testing. Allele origin: germline. Not counted in ClinVar's aggregate classification.
Comment: This variant changes 1 nucleotide in exon 10 of the ATM gene, creating a premature translation stop signal. This variant is expected to result in an absent or non-functional protein product. This variant has been observed in the compound heterozygous state in individuals affected with autosomal recessive ataxia-telangiectasia (PMID: 12552559, 26896183), indicating that this variant contributes to disease. This variant has also been reported in individuals affected with breast cancer (PMID: 30128536, 35365198). This variant has not been identified in the general population by the Genome Aggregation Database (gnomAD). Loss of ATM function is a known mechanism of disease. Based on the available evidence, this variant is classified as Pathogenic.

Ambry Genetics
Classification: Pathogenic for Hereditary cancer-predisposing syndrome. Last evaluated: 2025-06-16. Review status: criteria provided, single submitter. Criteria: Ambry Variant Classification Scheme 2023. Collection method: clinical testing. Allele origin: germline. Not counted in ClinVar's aggregate classification.
Comment: The p.Q466* pathogenic mutation (also known as c.1396C>T), located in coding exon 9 of the ATM gene, results from a C to T substitution at nucleotide position 1396. This changes the amino acid from a glutamine to a stop codon within coding exon 9. This truncating mutation was seen in conjunction with pathogenic variants in ATM in individuals diagnosed with ataxia-telangiectasia (Buzin CH et al. Hum. Mutat. 2003 Feb; 21(2):123-31, Jackson TJ et al. Dev Med Child Neurol. 2016 07;58:690-7). This variant is considered to be rare based on population cohorts in the Genome Aggregation Database (gnomAD). In addition to the clinical data presented in the literature, this alteration is expected to result in loss of function by premature protein truncation or nonsense-mediated mRNA decay. As such, this alteration is interpreted as a disease-causing mutation.

NHS Central & South Genomic Laboratory Hub
Classification: Pathogenic for Inherited breast cancer and ovarian cancer. Last evaluated: 2024-11-11. Review status: criteria provided, single submitter. Criteria: ACMG Guidelines, 2015. Collection method: clinical testing. Allele origin: germline. Affected: yes. Not counted in ClinVar's aggregate classification.

Myriad Genetics, Inc.
Classification: Pathogenic for Familial cancer of breast. Last evaluated: 2024-01-16. Review status: criteria provided, single submitter. Criteria: Myriad Autosomal Dominant, Autosomal Recessive and X-Linked Classification Criteria (2023). Collection method: clinical testing. Allele origin: unknown. Not counted in ClinVar's aggregate classification.
Comment: This variant is considered pathogenic. This variant creates a termination codon and is predicted to result in premature protein truncation.

Labcorp Genetics (formerly Invitae), Labcorp
Classification: Pathogenic for Ataxia-telangiectasia syndrome. Last evaluated: 2023-05-04. Review status: criteria provided, single submitter. Criteria: Invitae Variant Classification Sherloc (09022015). Collection method: clinical testing. Allele origin: germline. Not counted in ClinVar's aggregate classification.
Comment: This sequence change creates a premature translational stop signal (p.Gln466*) in the ATM gene. It is expected to result in an absent or disrupted protein product. Loss-of-function variants in ATM are known to be pathogenic (PMID: 23807571, 25614872). This variant is not present in population databases (gnomAD no frequency). This premature translational stop signal has been observed in individual(s) with ataxia-telangiectasia (PMID: 12552559). ClinVar contains an entry for this variant (Variation ID: 233553). For these reasons, this variant has been classified as Pathogenic.

Women's Health and Genetics/Laboratory Corporation of America, LabCorp
Classification: Pathogenic for Ataxia-telangiectasia syndrome. Last evaluated: 2020-09-14. Review status: criteria provided, single submitter. Criteria: LabCorp Variant Classification Summary - May 2015. Collection method: clinical testing. Allele origin: germline. Not counted in ClinVar's aggregate classification.
Comment: Variant summary: ATM c.1396C>T (p.Gln466X) results in a premature termination codon, predicted to cause a truncation of the encoded protein or absence of the protein due to nonsense mediated decay, which are commonly known mechanisms for disease. Truncations downstream of this position have been classified as pathogenic by our laboratory (e.g. c.3372C>G p.Tyr1124X , c.3663G>A p.Trp1221X). The variant was absent in 251410 control chromosomes (gnomAD). c.1396C>T has been reported in the literature in individuals affected with Ataxia-Telangiectasia (Buzin_2003, Jackson_2016) and in an individual with breast cancer (Mei-Lu_2019). These data indicate that the variant may be associated with disease. To our knowledge, no experimental evidence demonstrating an impact on protein function has been reported. Three ClinVar submitters (evaluation after 2014) cite the variant as as pathogenic. Based on the evidence outlined above, the variant was classified as pathogenic.

GeneDx
Classification: Pathogenic. Last evaluated: 2017-06-28. Review status: criteria provided, single submitter. Criteria: GeneDx Variant Classification (06012015). Collection method: clinical testing. Allele origin: germline. Affected: yes. Not counted in ClinVar's aggregate classification.
Comment: This pathogenic variant is denoted ATM c.1396C>T at the cDNA level and p.Gln466Ter (Q466X) at the protein level. The substitution creates a nonsense variant, which changes a Glutamine to a premature stop codon (CAA>TAA), and is predicted to cause loss of normal protein function through either protein truncation or nonsense-mediated mRNA decay. This variant has been reported in the compound heterozygous state in an individual with ataxia-telangiectasia (Buzin 2003) and is considered pathogenic.

Natera, Inc.
Classification: Pathogenic for Ataxia-telangiectasia. Last evaluated: 2020-09-16. Review status: no assertion criteria provided. Collection method: clinical testing. Allele origin: germline. Not counted in ClinVar's aggregate classification.

Literature cited by the submitters: PubMed 12552559 (cited by 4 submitters); PubMed 26896183 (cited by 3 submitters); PubMed 30128536 (cited by Color Diagnostics, LLC DBA Color Health and Women's Health and Genetics/Laboratory Corporation of America, LabCorp); PubMed 35365198 (cited by Color Diagnostics, LLC DBA Color Health); PubMed 23807571 (cited by Labcorp Genetics (formerly Invitae), Labcorp); PubMed 25614872 (cited by Labcorp Genetics (formerly Invitae), Labcorp).

NM_000051.4(ATM):c.1396C>T (p.Gln466Ter)

Gene: ATM (ATM serine/threonine kinase; plus strand). Cytogenetic location: 11q22.3.
Variant type: single nucleotide variant.
Coding change: c.1396C>T on transcript NM_000051.4 (MANE Select); coding-DNA position 1396, C replaced by T.
Protein change: p.Gln466Ter; replaces glutamine 466 with a stop codon.
Molecular consequence: nonsense.
Genome position (GRCh38, 1-based): chr11:108,250,861, C>T. VCF-style: chr11-108250861-C-T. GRCh37 (hg19) VCF-style: chr11-108121588-C-T.
Other names: NM_000051.4(ATM):c.1396C>T; p.Gln466Ter; c.1396C>T, p.Gln466Ter (NM_001351834.2); short protein forms Q466*.
Identifiers: ClinVar variation 233553 (VCV000233553.21), dbSNP rs876660485, ClinGen allele CA10579008.